The following is an entry in ClinVar:

ClinVar aggregate classification (germline): Uncertain significance. Review status: criteria provided, multiple submitters, no conflicts (2 of 4 stars). 2 submissions from 2 submitters: Uncertain significance (2). Last evaluated 2025-08-07.

Conditions:
Inborn genetic diseases. Identifiers: MedGen C0950123, MeSH D030342.

Allele frequency attached by ClinVar (database versions not stated): gnomAD 0.00001; ExAC 0.00002; gnomAD exomes 0.00002; TOPMed 0.00002.
gnomAD v4.1: 25 of 1,611,922 alleles (0.0016%); highest among the groups gnomAD compares: South Asian, 0.017%; no homozygotes.

Submissions (2):

Ambry Genetics
Classification: Uncertain significance for Inborn genetic diseases. Last evaluated: 2025-08-07. Review status: criteria provided, single submitter. Criteria: Ambry Variant Classification Scheme 2023. Collection method: clinical testing. Allele origin: germline.

Labcorp Genetics (formerly Invitae), Labcorp
Classification: Uncertain significance. Last evaluated: 2022-10-13. Review status: criteria provided, single submitter. Criteria: Invitae Variant Classification Sherloc (09022015). Collection method: clinical testing. Allele origin: germline.
Comment: This sequence change replaces arginine, which is basic and polar, with histidine, which is basic and polar, at codon 353 of the IFT81 protein (p.Arg353His). This variant is present in population databases (rs765241061, gnomAD 0.01%). This variant has not been reported in the literature in individuals affected with IFT81-related conditions. ClinVar contains an entry for this variant (Variation ID: 847308). Advanced modeling of protein sequence and biophysical properties (such as structural, functional, and spatial information, amino acid conservation, physicochemical variation, residue mobility, and thermodynamic stability) performed at Invitae indicates that this missense variant is not expected to disrupt IFT81 protein function. In summary, the available evidence is currently insufficient to determine the role of this variant in disease. Therefore, it has been classified as a Variant of Uncertain Significance.

NM_014055.4(IFT81):c.1058G>A (p.Arg353His)

Gene: IFT81 (intraflagellar transport 81; plus strand). Cytogenetic location: 12q24.11.
Variant type: single nucleotide variant.
Coding change: c.1058G>A on transcript NM_014055.4 (MANE Select); coding-DNA position 1058, G replaced by A.
Protein change: p.Arg353His; replaces arginine 353 with histidine.
Molecular consequence: missense variant. On other transcripts: non-coding transcript variant (4).
Genome position (GRCh38, 1-based): chr12:110,162,935, G>A. VCF-style: chr12-110162935-G-A. GRCh37 (hg19) VCF-style: chr12-110600740-G-A.
Other names: c.1058G>A, p.Arg353His (NM_001143779.2, NM_001347946.2, NM_031473.4); c.128G>A, p.Arg43His (NM_001347947.2, NM_001347948.2); short protein forms R353H, R43H.
Identifiers: ClinVar variation 847308 (VCV000847308.8), dbSNP rs765241061, ClinGen allele CA6783265.
Genomic context (GRCh38, chr12:110,162,935, plus strand): 5'-TGATTGTATATCTTATTATACCTTCATATTTAATGCTCAATCAGGCATCTATCATTTCCC[G>A]TAAAAAAGAAGCCAAAGCTGAGGAACTTCAGGAGGCCAAGGAGAAGTTAGCCAGCCTAGA-3'
Protein context (NP_054774.2, residues 343-363): LYRQQASIIS[Arg353His]KKEAKAEELQ